The following is an entry in ClinVar:

NM_004523.4(KIF11):c.2790_2791del (p.Ser931fs)

Gene: KIF11 (kinesin family member 11; plus strand). Cytogenetic location: 10q23.33.
Variant type: Deletion.
Coding change: c.2790_2791del on transcript NM_004523.4 (MANE Select); coding-DNA positions 2790 to 2791, 2 bases deleted (AA; older notation c.2790_2791delAA).
Protein change: p.Ser931fs; shifts the reading frame from serine 931.
Molecular consequence: frameshift variant.
Genome position (GRCh38, 1-based): chr10:92,649,854-92,649,855, AA deleted; deleting any 2 consecutive bases within chr10:92,649,852-92,649,855 gives the same sequence; the c. name uses the placement nearest the transcript's 3' end. VCF-style (leftmost placement, unchanged base first): chr10-92649851-GAA-G. GRCh37 (hg19) VCF-style: chr10-94409608-GAA-G.
Other names: short protein forms S931fs.
Identifiers: ClinVar variation 3648258 (VCV003648258.2).

ClinVar aggregate classification (germline): Pathogenic (1 of 4 stars; one submission).

Submission:

Labcorp Genetics (formerly Invitae), Labcorp
Classification: Pathogenic. Last evaluated: 2024-03-31. Review status: criteria provided, single submitter. Criteria: Invitae Variant Classification Sherloc (09022015). Collection method: clinical testing. Allele origin: germline.
Comment: This sequence change creates a premature translational stop signal (p.Ser931Leufs*11) in the KIF11 gene. It is expected to result in an absent or disrupted protein product. Loss-of-function variants in KIF11 are known to be pathogenic (PMID: 22284827, 24281367). This variant is not present in population databases (gnomAD no frequency). This variant has not been reported in the literature in individuals affected with KIF11-related conditions. For these reasons, this variant has been classified as Pathogenic.

Literature cited by the submitters: PubMed 22284827; PubMed 24281367.